The following is an entry in ClinVar:

NM_006876.3(B4GAT1):c.196G>A (p.Ala66Thr)

Gene: B4GAT1 (beta-1,4-glucuronyltransferase 1; minus strand). Cytogenetic location: 11q13.2.
Variant type: single nucleotide variant.
Coding change: c.196G>A on transcript NM_006876.3 (MANE Select); coding-DNA position 196, G replaced by A.
Protein change: p.Ala66Thr; replaces alanine 66 with threonine.
Molecular consequence: missense variant.
Genome position (GRCh38, 1-based): chr11:66,347,350, C>T on the plus strand (G>A on the coding strand, the complement: B4GAT1 is on the minus strand). VCF-style: chr11-66347350-C-T. GRCh37 (hg19) VCF-style: chr11-66114821-C-T.
Other names: short protein forms A66T.
Identifiers: ClinVar variation 421636 (VCV000421636.16), dbSNP rs765114036, ClinGen allele CA6120589.

ClinVar aggregate classification (germline): Conflicting classifications of pathogenicity. Review status: criteria provided, conflicting classifications (1 of 4 stars). 4 submissions from 4 submitters: Uncertain significance (1); Benign (1); Likely benign (1). 1 of the submissions does not count toward it. Last evaluated 2025-11-27.

Conditions:
B4GAT1-related disorder. Also called: B4GAT1-related condition.
Muscular dystrophy-dystroglycanopathy (congenital with brain and eye anomalies), type A13. Also called: WALKER-WARBURG SYNDROME OR MUSCLE-EYE-BRAIN DISEASE, B3GNT1-RELATED; Muscular dystrophy-dystroglycanopathy (congenital with brain and eye anomalies), type a, 13. Identifiers: Orphanet 899, MedGen C3809042, MONDO:0014120, OMIM 615287.

Allele frequency attached by ClinVar (database versions not stated): gnomAD 0.00009 and 0.00010; TOPMed 0.00031; ExAC 0.00122.

Submissions (4):

Labcorp Genetics (formerly Invitae), Labcorp
Classification: Benign for Muscular dystrophy-dystroglycanopathy (congenital with brain and eye anomalies), type A13. Last evaluated: 2025-11-27. Review status: criteria provided, single submitter. Criteria: Invitae Variant Classification Sherloc (09022015). Collection method: clinical testing. Allele origin: germline.

Revvity Omics, Revvity
Classification: Uncertain significance for Muscular dystrophy-dystroglycanopathy (congenital with brain and eye anomalies), type A13. Last evaluated: 2023-04-17. Review status: criteria provided, single submitter. Criteria: ACMG Guidelines, 2015. Collection method: clinical testing. Allele origin: germline.

GeneDx
Classification: Likely benign. Last evaluated: 2021-04-22. Review status: criteria provided, single submitter. Criteria: GeneDx Variant Classification Process June 2021. Collection method: clinical testing. Allele origin: germline. Affected: yes.

PreventionGenetics, part of Exact Sciences
Classification: Likely benign for B4GAT1-related condition. Last evaluated: 2023-05-18. Review status: no assertion criteria provided. Collection method: clinical testing. Allele origin: germline. Not counted in ClinVar's aggregate classification.
Comment: This variant is classified as likely benign based on ACMG/AMP sequence variant interpretation guidelines (Richards et al. 2015 PMID: 25741868, with internal and published modifications).